The following is an entry in ClinVar:

ClinVar aggregate classification (germline): Uncertain significance. Review status: criteria provided, multiple submitters, no conflicts (2 of 4 stars). 3 submissions from 3 submitters: Uncertain significance (3). Last evaluated 2022-08-24.

Conditions:
Luscan-Lumish syndrome. Identifiers: Orphanet 597738, MedGen C4085873, MONDO:0014791, OMIM 616831.

Allele frequency attached by ClinVar (database versions not stated): TOPMed 0.00007; 1000 Genomes Project 0.00020; 1000 Genomes Project 30x 0.00031; gnomAD exomes 0.00004 and 0.00003; ExAC 0.00005; gnomAD 0.00005.
gnomAD v4.1: 58 of 1,550,066 alleles (0.0037%); highest among the groups gnomAD compares: Admixed American, 0.0059%; no homozygotes.

Submissions (3):

Labcorp Genetics (formerly Invitae), Labcorp
Classification: Uncertain significance for Luscan-Lumish syndrome. Last evaluated: 2022-08-24. Review status: criteria provided, single submitter. Criteria: Invitae Variant Classification Sherloc (09022015). Collection method: clinical testing. Allele origin: germline.
Comment: Algorithms developed to predict the effect of missense changes on protein structure and function output the following: SIFT: "Tolerated"; PolyPhen-2: "Benign"; Align-GVGD: "Class C0". The glutamine amino acid residue is found in multiple mammalian species, which suggests that this missense change does not adversely affect protein function. In summary, the available evidence is currently insufficient to determine the role of this variant in disease. Therefore, it has been classified as a Variant of Uncertain Significance. ClinVar contains an entry for this variant (Variation ID: 805408). This variant has not been reported in the literature in individuals affected with SETD2-related conditions. This variant is present in population databases (rs540015912, gnomAD 0.01%). This sequence change replaces arginine, which is basic and polar, with glutamine, which is neutral and polar, at codon 329 of the SETD2 protein (p.Arg329Gln).

Genome-Nilou Lab
Classification: Uncertain significance for Luscan-Lumish syndrome. Last evaluated: 2022-03-15. Review status: criteria provided, single submitter. Criteria: ACMG Guidelines, 2015. Collection method: clinical testing. Allele origin: germline. Affected: no.

Athena Diagnostics
Classification: Uncertain significance. Last evaluated: 2018-11-01. Review status: criteria provided, single submitter. Criteria: Athena Diagnostics Criteria. Collection method: clinical testing. Allele origin: germline.

NM_014159.7(SETD2):c.986G>A (p.Arg329Gln)

Gene: SETD2 (SET domain containing 2, histone lysine methyltransferase; minus strand). Cytogenetic location: 3p21.31.
Variant type: single nucleotide variant.
Coding change: c.986G>A on transcript NM_014159.7 (MANE Select); coding-DNA position 986, G replaced by A.
Protein change: p.Arg329Gln; replaces arginine 329 with glutamine.
Molecular consequence: missense variant. On other transcripts: non-coding transcript variant (1).
Genome position (GRCh38, 1-based): chr3:47,123,650, C>T on the plus strand (G>A on the coding strand, the complement: SETD2 is on the minus strand). VCF-style: chr3-47123650-C-T. GRCh37 (hg19) VCF-style: chr3-47165140-C-T.
Other names: c.854G>A, p.Arg285Gln (NM_001349370.3); short protein forms R285Q, R329Q.
Identifiers: ClinVar variation 805408 (VCV000805408.8), dbSNP rs540015912, ClinGen allele CA2363721.